The following is an entry in ClinVar:

NM_000153.4(GALC):c.298G>A (p.Val100Met)

Gene: GALC (galactosylceramidase; minus strand). Cytogenetic location: 14q31.3.
Variant type: single nucleotide variant.
Coding change: c.298G>A on transcript NM_000153.4 (MANE Select); coding-DNA position 298, G replaced by A.
Protein change: p.Val100Met; replaces valine 100 with methionine.
Molecular consequence: missense variant. On other transcripts: 5 prime UTR variant (4), non-coding transcript variant (1).
Genome position (GRCh38, 1-based): chr14:87,988,174, C>T on the plus strand (G>A on the coding strand, the complement: GALC is on the minus strand). VCF-style: chr14-87988174-C-T. GRCh37 (hg19) VCF-style: chr14-88454518-C-T.
Other names: p.Val100Met; c.229G>A, p.Val77Met (NM_001201401.2); c.220G>A, p.Val74Met (NM_001201402.2); c.130G>A, p.Val44Met (NM_001424071.1, NM_001424072.1, NM_001424073.1); c.-51G>A (NM_001424074.1); c.-139G>A (NM_001424075.1); c.-370G>A (NM_001424076.1, NM_001424077.1); short protein forms V100M, V44M, V74M, V77M.
Identifiers: ClinVar variation 2683273 (VCV002683273.1), dbSNP rs2503526503, ClinGen allele CA390753227.
Genomic context (GRCh38, chr14:87,988,174, plus strand): 5'-GGAGAAATCCTATCTCCCAAATTCTCCTACCTGTTGTCTGCCCATCACCACCTATTTCCA[C>T]TTTTAAAATATGCAAAGAGGCACCAAAATTCGGCTGTGAAAAGAAGTAACAGTATTAACA-3'
Protein context (NP_000144.2, residues 90-110): NFGASLHILK[Val100Met]EIGGDGQTTD

ClinVar aggregate classification (germline): Uncertain significance (1 of 4 stars; one submission).

Submission:

Mayo Clinic Laboratories, Mayo Clinic
Classification: Uncertain significance. Last evaluated: 2022-07-15. Review status: criteria provided, single submitter. Criteria: ACMG Guidelines, 2015. Collection method: clinical testing. Allele origin: germline. Observed: 1 variant allele.
Comment: PP3, PM2